The following is an entry in ClinVar:

NM_020163.3(SEMA3G):c.2042A>G (p.Asn681Ser)

Gene: SEMA3G (semaphorin 3G; minus strand). Cytogenetic location: 3p21.1.
Variant type: single nucleotide variant.
Coding change: c.2042A>G on transcript NM_020163.3 (MANE Select); coding-DNA position 2042, A replaced by G.
Protein change: p.Asn681Ser; replaces asparagine 681 with serine.
Molecular consequence: missense variant.
Genome position (GRCh38, 1-based): chr3:52,435,910, T>C on the plus strand (A>G on the coding strand, the complement: SEMA3G is on the minus strand). VCF-style: chr3-52435910-T-C. GRCh37 (hg19) VCF-style: chr3-52469926-T-C.
Other names: c.2042A>G (NM_020163.2); short protein forms N681S.
Identifiers: ClinVar variation 3794060 (VCV003794060.2).

ClinVar aggregate classification (germline): Conflicting classifications of pathogenicity. Review status: criteria provided, conflicting classifications (1 of 4 stars). 2 submissions from 2 submitters: Uncertain significance (1); Likely benign (1). Last evaluated 2025-02-12.

Conditions:
SEMA3G-related disorder. Also called: SEMA3G-related condition.

Submissions (2):

Ambry Genetics
Classification: Likely benign. Last evaluated: 2025-02-12. Review status: criteria provided, single submitter. Criteria: Ambry Variant Classification Scheme 2023. Collection method: clinical testing. Allele origin: germline.

PreventionGenetics, part of Exact Sciences
Classification: Uncertain significance for SEMA3G-related condition. Last evaluated: 2025-01-15. Review status: criteria provided, single submitter. Criteria: ACMG Guidelines, 2015. Collection method: clinical testing. Allele origin: germline.
Comment: The SEMA3G c.2042A>G variant is predicted to result in the amino acid substitution p.Asn681Ser. To our knowledge, this variant has not been reported in the literature or in a large population database (gnomAD), indicating this variant is rare. At this time, the clinical significance of this variant is uncertain due to the absence of conclusive functional and genetic evidence.